The following is an entry in ClinVar:

ClinVar aggregate classification (germline): Benign. Review status: criteria provided, single submitter (1 of 4 stars). 2 submissions from 2 submitters: Benign (1). 1 of the submissions does not count toward it. Last evaluated 2025-11-01.

Conditions:
PAX6-related disorder. Also called: PAX6-related disorders; PAX6-related condition.
Irido-corneo-trabecular dysgenesis (ASGD5). Also called: ANTERIOR SEGMENT DYSGENESIS 5. Identifiers: Orphanet 708, MedGen C0344559, MONDO:0011414, OMIM 604229, HP:0000659.
Aniridia 1 (AN1). Identifiers: Orphanet 250923, MedGen C0344542, MONDO:0024507, OMIM 106210.

Allele frequency attached by ClinVar (database versions not stated): gnomAD 0.00011 and 0.00015; gnomAD exomes 0.00011 and 0.00032; 1000 Genomes Project 30x 0.00031; ExAC 0.00034; 1000 Genomes Project 0.00040.
gnomAD v4.1: 181 of 1,579,672 alleles (0.011%); highest among the groups gnomAD compares: East Asian, 0.39%; 1 homozygote.

Submissions (2):

Labcorp Genetics (formerly Invitae), Labcorp
Classification: Benign for Aniridia 1; Irido-corneo-trabecular dysgenesis. Last evaluated: 2025-11-01. Review status: criteria provided, single submitter. Criteria: Invitae Variant Classification Sherloc (09022015). Collection method: clinical testing. Allele origin: germline.

PreventionGenetics, part of Exact Sciences
Classification: Benign for PAX6-related condition. Last evaluated: 2019-09-17. Review status: no assertion criteria provided. Collection method: clinical testing. Allele origin: germline. Not counted in ClinVar's aggregate classification.
Comment: This variant is classified as benign based on ACMG/AMP sequence variant interpretation guidelines (Richards et al. 2015 PMID: 25741868, with internal and published modifications).

NM_001368894.2(PAX6):c.1236C>T (p.Ser412=)

Genes: ELP4 (elongator acetyltransferase complex subunit 4; plus strand), PAX6 (paired box 6; minus strand). Cytogenetic location: 11p13.
Variant type: single nucleotide variant.
Coding change: c.1236C>T on transcript NM_001368894.2 (MANE Select); coding-DNA position 1236, C replaced by T.
Protein change: p.Ser412=; no amino-acid change (serine 412 retained).
Molecular consequence: synonymous variant. On other transcripts: 3 prime UTR variant (3), missense variant (9), non-coding transcript variant (2).
Genome position (GRCh38, 1-based): chr11:31,790,009, G>A on the plus strand (C>T on the coding strand, the complement: PAX6 is on the minus strand). VCF-style: chr11-31790009-G-A. GRCh37 (hg19) VCF-style: chr11-31811557-G-A.
Other names: c.*6471G>A (NM_001288725.2); c.*6580G>A (NM_001288726.2); c.*6485G>A (NM_019040.5); c.1194C>T, p.Ser398= (NM_000280.6, NM_001127612.3, NM_001258464.2 and 6 more transcripts); c.1236C>T, p.Ser412= (NM_001258462.3, NM_001258463.2, NM_001310158.2 and 3 more transcripts); c.786C>T, p.Ser262= (NM_001310160.2, NM_001310161.3, NM_001368899.2 and 10 more transcripts); c.1437C>T, p.Ser479= (NM_001368910.2); c.1088C>T, p.Pro363Leu (NM_001368911.2); and 9 more; short protein forms P212L, P295L, P348L, P362L, P363L.
Identifiers: ClinVar variation 1625483 (VCV001625483.10), dbSNP rs78290542, ClinGen allele CA5933644.
Genomic context (GRCh38, chr11:31,790,009, plus strand): 5'-CCAGTATTGAGACATATCAGGTTCACTTCCGGGAACTTGAACTGGAACTGACACACCAGG[G>A]GAAATGAGTCCTAGAAGTGGATGAAAGAAATAGCCATGTAGATATTCCCTTTGAGAAACA-3'
Protein context (NP_001355823.1, residues 402-422): TSGTTSTGLI[Ser412=]PGVSVPVQVP